The following is an entry in ClinVar:

NM_014895.4(CEP162):c.4050A>G (p.Lys1350=)

Genes: CEP162 (centrosomal protein 162; minus strand), MRAP2 (melanocortin 2 receptor accessory protein 2; plus strand). Cytogenetic location: 6q14.2.
Variant type: single nucleotide variant.
Coding change: c.4050A>G on transcript NM_014895.4 (MANE Select); coding-DNA position 4050, A replaced by G.
Protein change: p.Lys1350=; no amino-acid change (lysine 1350 retained).
Molecular consequence: synonymous variant.
Genome position (GRCh38, 1-based): chr6:84,125,232, T>C on the plus strand (A>G on the coding strand, the complement: CEP162 is on the minus strand). VCF-style: chr6-84125232-T-C. GRCh37 (hg19) VCF-style: chr6-84834951-T-C.
Other names: c.3822A>G, p.Lys1274= (NM_001286206.2).
Identifiers: ClinVar variation 2656728 (VCV002656728.24), dbSNP rs147600217, ClinGen allele CA3909740.

ClinVar aggregate classification (germline): Likely benign (1 of 4 stars; one submission).

Allele frequency attached by ClinVar (database versions not stated): TOPMed 0.00014; gnomAD exomes 0.00039; ESP Exome Variant Server 0.00054; ExAC 0.00066; gnomAD 0.00103.
gnomAD v4.1: 715 of 1,613,434 alleles (0.044%); highest among the groups gnomAD compares: Non-Finnish European, 0.017%; 3 homozygotes.

Submission:

CeGaT Center for Human Genetics Tuebingen
Classification: Likely benign. Last evaluated: 2022-06-01. Review status: criteria provided, single submitter. Criteria: CeGaT Center For Human Genetics Tuebingen Variant Classification Criteria Version 2. Collection method: clinical testing. Allele origin: germline. Affected: yes. Observed: 1 variant allele.
Comment: CEP162: BP4, BP7